The following is an entry in ClinVar:

ClinVar aggregate classification (germline): Uncertain significance. Review status: criteria provided, multiple submitters, no conflicts (2 of 4 stars). 10 submissions from 10 submitters: Uncertain significance (9). 1 of the submissions does not count toward it. Last evaluated 2025-10-06.

Conditions:
CFTR-related disorder (CFTR-RD). Also called: CFTR-related disorders; CFTR-related condition. Identifiers: MedGen C5924204, MONDO:7770004.
Cystic fibrosis (CF). Also called: MUCOVISCIDOSIS. Identifiers: Orphanet 586, MedGen C0010674, MONDO:0009061, OMIM 219700. Disease mechanism: loss of function.

Allele frequency attached by ClinVar (database versions not stated): TOPMed 0.00001; ESP Exome Variant Server 0.00008; gnomAD exomes 0.00001.
gnomAD v4.1: 5 of 1,613,488 alleles (0.00031%); highest among the groups gnomAD compares: African/African-American, 0.004%; no homozygotes.

Submissions (10):

Women's Health and Genetics/Laboratory Corporation of America, LabCorp
Classification: Uncertain significance. Last evaluated: 2025-10-06. Review status: criteria provided, single submitter. Criteria: LabCorp Variant Classification Summary - May 2015. Collection method: clinical testing. Allele origin: germline.
Comment: Variant summary: CFTR c.3607A>G (p.Ile1203Val) results in a conservative amino acid change in the encoded protein sequence. Algorithms developed to predict the effect of missense changes on protein structure and function all suggest that this variant is likely to be tolerated. The variant allele was found at a frequency of 8e-06 in 250372 control chromosomes. c.3607A>G has been reported in the literature in several individuals diagnosed with Cystic Fibrosis (e.g., Cutting_1992, Behar_2017, Fredj_2009, Hamouda_2020, daSilvaFilho_2021, Onubogu_2022). At least two of the individuals carried a known pathogenic CFTR variant, c.3764C>A (p.Ser1255X) in cis (Cutting_1992, Behar_2017), providing supporting evidence for a benign role. However, the variant was also reported in the homozygous state in at least one individual with obstructive lung disease, airway colonization by Pseudomonas aeruginisa and a positive sweat test (67mM; e.g., Fredj_2009, Hamouda_2020). Mutational scanning by DGGE was utilized in this report, therefore the possibility of a missed mutation cannot be entirely ruled out. These report(s) do not provide unequivocal conclusions about association of the variant with Cystic Fibrosis. Although the phase was not determined at time of testing, the genotype appears similar to that reported in the literature. At least one publication reports experimental evidence evaluating an impact on protein function. The most pronounced variant effect resulted in approximately 34% of normal chloride channel conductance relative to wild type (e.g., Bihler_2024). The following publications have been ascertained in the context of this evaluation (PMID: 28546993, 38388235, 1376017, 19715466, 33402933, 32819855). ClinVar contains an entry for this variant (Variation ID: 53778). Based on the evidence outlined above, the variant was classified as uncertain significance.

Labcorp Genetics (formerly Invitae), Labcorp
Classification: Uncertain significance for Cystic fibrosis. Last evaluated: 2025-01-23. Review status: criteria provided, single submitter. Criteria: Invitae Variant Classification Sherloc (09022015). Collection method: clinical testing. Allele origin: germline.
Comment: This sequence change replaces isoleucine, which is neutral and non-polar, with valine, which is neutral and non-polar, at codon 1203 of the CFTR protein (p.Ile1203Val). This variant is present in population databases (rs75647395, gnomAD 0.007%). This missense change has been observed in individual(s) with cystic fibrosis, and it is often seen in combination with p.Ser1255*, suggesting that these variants may be in cis (PMID: 1376017, 19715466, 28546993; p.Ser1255*). ClinVar contains an entry for this variant (Variation ID: 53778). Invitae Evidence Modeling of protein sequence and biophysical properties (such as structural, functional, and spatial information, amino acid conservation, physicochemical variation, residue mobility, and thermodynamic stability) indicates that this missense variant is not expected to disrupt CFTR protein function with a negative predictive value of 80%. In summary, the available evidence is currently insufficient to determine the role of this variant in disease. Therefore, it has been classified as a Variant of Uncertain Significance.

PreventionGenetics, part of Exact Sciences
Classification: Uncertain significance for CFTR-related condition. Last evaluated: 2024-12-12. Review status: criteria provided, single submitter. Criteria: ACMG Guidelines, 2015. Collection method: clinical testing. Allele origin: germline.
Comment: The CFTR c.3607A>G variant is predicted to result in the amino acid substitution p.Ile1203Val. This variant has been reported in the homozygous state in an individual with cystic fibrosis (Fredj et al. 2009. PubMed ID: 19715466) and was identified in a cohort of individuals with cystic fibrosis (da Silva Filho et al. 2021. PubMed ID: 32819855). This variant was also described in an affected individual who carried both p.Phe508del and p.Ser1255* (phase not determined, Behar et al. 2017. PubMed ID: 28546993). In ClinVar, multiple laboratories classify the c.3607A>G (p.Ile1203Val) variant as uncertain. This variant is reported in 0.012% of alleles in individuals of African descent in gnomAD. At this time, the clinical significance of this variant is uncertain due to the absence of conclusive functional and genetic evidence.

Ambry Genetics
Classification: Uncertain significance for Cystic fibrosis. Last evaluated: 2022-10-07. Review status: criteria provided, single submitter. Criteria: Ambry Variant Classification Scheme 2023. Collection method: clinical testing. Allele origin: germline.
Comment: The p.I1203V variant (also known as c.3607A>G), located in coding exon 22 of the CFTR gene, results from an A to G substitution at nucleotide position 3607. The isoleucine at codon 1203 is replaced by valine, an amino acid with highly similar properties. This variant was reported in a homozygous state in an infant with obstructive lung disease, airway colonization by Pseudomonas aeruginosa, and a positive sweat test (Fredj SH et al. Genet Test Mol Biomarkers, 2009 Oct;13:577-81). This amino acid position is not well conserved in available vertebrate species, and valine is the reference amino acid in other vertebrate species. In addition, the in silico prediction for this alteration is inconclusive. Since supporting evidence is limited at this time, the clinical significance of this variant remains unclear.

Mayo Clinic Laboratories, Mayo Clinic
Classification: Uncertain significance. Last evaluated: 2022-06-28. Review status: criteria provided, single submitter. Criteria: ACMG Guidelines, 2015. Collection method: clinical testing. Allele origin: germline. Observed: 2 variant alleles.
Comment: BP2, PM2, PM3_supporting

Genome-Nilou Lab
Classification: Uncertain significance for Cystic fibrosis. Last evaluated: 2021-09-05. Review status: criteria provided, single submitter. Criteria: ACMG Guidelines, 2015. Collection method: clinical testing. Allele origin: germline. Affected: no.

ARUP Laboratories, Molecular Genetics and Genomics, ARUP Laboratories
Classification: Uncertain significance. Last evaluated: 2019-09-25. Review status: criteria provided, single submitter. Criteria: ARUP Molecular Germline Variant Investigation Process. Collection method: clinical testing. Allele origin: germline.
Comment: The CFTR c.3607A>G; p.Ile1203Val variant (rs75647395) is reported in the literature in several individuals with symptoms or a diagnosis of cystic fibrosis (Behar 2017, Cutting 1992, Fredj 2009). This variant has been reported to occur on the same chromosome as a pathogenic CFTR variant, p.Ser1255Ter (Cutting 1992). Indeed, a number of affected individuals in the literature or identified in testing at ARUP Laboratories carried both the p.Ile1203Val variant and p.Ser1255Ter (Behar 2017, Cutting 1992), although one affected individual with a homozygous p.Ile1203Val variant was reported without p.Ser1255Ter (Fredj 2009). The p.Ile1203Val variant is found on only two chromosomes (2/250372 alleles) in the Genome Aggregation Database. The valine at codon 1203 is weakly conserved, and computational analyses (SIFT, PolyPhen-2) predict that this variant is tolerated. Although available information does not strongly suggest that the p.Ile1203Val variant is disease-causing on its own, due to limited information, its clinical significance is uncertain at this time. References: Behar DM et al. Nationwide genetic analysis for molecularly unresolved cystic fibrosis patients in a multiethnic society: implications for preconception carrier screening. Mol Genet Genomic Med. 2017 Feb 19;5(3):223-236. Cutting GR et al. Analysis of four diverse population groups indicates that a subset of cystic fibrosis mutations occur in common among Caucasians. Am J Hum Genet. 1992 Jun;50(6):1185-94. Fredj SH et al. Cystic fibrosis transmembrane conductance regulator mutation spectrum in patients with cystic fibrosis in Tunisia. Genet Test Mol Biomarkers. 2009 Oct;13(5):577-81.

Mendelics
Classification: Uncertain significance for Cystic fibrosis. Last evaluated: 2018-11-05. Review status: criteria provided, single submitter. Criteria: Mendelics Assertion Criteria 2017. Collection method: clinical testing. Allele origin: unknown. Affected: yes.

Eurofins Ntd Llc (ga)
Classification: Uncertain significance. Last evaluated: 2014-01-23. Review status: criteria provided, single submitter. Criteria: EGL Classification Definitions 2015. Collection method: clinical testing. Allele origin: germline. Observed: 1 variant allele, 1 heterozygote.

Natera, Inc.
Classification: Uncertain significance for CFTR-related disorders. Last evaluated: 2018-12-23. Review status: no assertion criteria provided. Collection method: clinical testing. Allele origin: germline. Not counted in ClinVar's aggregate classification.

Literature cited by the submitters: PubMed 1376017 (cited by Women's Health and Genetics/Laboratory Corporation of America, LabCorp and Labcorp Genetics (formerly Invitae), Labcorp); PubMed 19715466 (cited by 3 submitters); PubMed 28546993 (cited by Women's Health and Genetics/Laboratory Corporation of America, LabCorp and Labcorp Genetics (formerly Invitae), Labcorp); PubMed 32819855 (cited by Women's Health and Genetics/Laboratory Corporation of America, LabCorp); PubMed 33402933 (cited by Women's Health and Genetics/Laboratory Corporation of America, LabCorp); PubMed 38388235 (cited by Women's Health and Genetics/Laboratory Corporation of America, LabCorp); PubMed 1255 (cited by Labcorp Genetics (formerly Invitae), Labcorp).

NM_000492.4(CFTR):c.3607A>G (p.Ile1203Val)

Genes: CFTR (CF transmembrane conductance regulator; plus strand), CFTR-AS2 (CFTR antisense RNA 2; minus strand). Cytogenetic location: 7q31.2.
Variant type: single nucleotide variant.
Coding change: c.3607A>G on transcript NM_000492.4 (MANE Select); coding-DNA position 3607, A replaced by G.
Protein change: p.Ile1203Val; replaces isoleucine 1203 with valine.
Molecular consequence: missense variant.
Genome position (GRCh38, 1-based): chr7:117,627,660, A>G. VCF-style: chr7-117627660-A-G. GRCh37 (hg19) VCF-style: chr7-117267714-A-G.
Other names: short protein forms I1203V.
Identifiers: ClinVar variation 53778 (VCV000053778.29), dbSNP rs75647395, ClinGen allele CA233702.